The following is an entry in ClinVar:

NM_000179.3(MSH6):c.749T>A (p.Val250Asp)

Gene: MSH6 (mutS homolog 6; plus strand). Cytogenetic location: 2p16.3.
Variant type: single nucleotide variant.
Coding change: c.749T>A on transcript NM_000179.3 (MANE Select); coding-DNA position 749, T replaced by A.
Protein change: p.Val250Asp; replaces valine 250 with aspartic acid.
Molecular consequence: missense variant. On other transcripts: 5 prime UTR variant (2).
Genome position (GRCh38, 1-based): chr2:47,798,732, T>A. VCF-style: chr2-47798732-T-A. GRCh37 (hg19) VCF-style: chr2-48025871-T-A.
Other names: c.359T>A, p.Val120Asp (NM_001281492.2); c.-158T>A (NM_001281493.2, NM_001281494.2, NM_001406811.1 and 6 more transcripts); c.845T>A, p.Val282Asp (NM_001406795.1, NM_001406802.1); c.749T>A, p.Val250Asp (NM_001406796.1, NM_001406798.1, NM_001406817.1 and 4 more transcripts); c.452T>A, p.Val151Asp (NM_001406797.1, NM_001406818.1, NM_001406819.1 and 10 more transcripts); c.224T>A, p.Val75Asp (NM_001406799.1, NM_001406806.1, NM_001406807.1); c.755T>A, p.Val252Asp (NM_001406813.1); c.581T>A, p.Val194Asp (NM_001406826.1); and 1 more; short protein forms V151D, V75D, V194D, V252D, V120D, V282D, V224D, V250D.
Identifiers: ClinVar variation 2008181 (VCV002008181.4), dbSNP rs587781275, ClinGen allele CA346740120.

ClinVar aggregate classification (germline): Uncertain significance (1 of 4 stars; one submission).

Conditions:
Hereditary nonpolyposis colorectal neoplasms. Identifiers: MedGen C0009405, MeSH D003123.

Submission:

Labcorp Genetics (formerly Invitae), Labcorp
Classification: Uncertain significance for Hereditary nonpolyposis colorectal neoplasms. Last evaluated: 2022-08-31. Review status: criteria provided, single submitter. Criteria: Invitae Variant Classification Sherloc (09022015). Collection method: clinical testing. Allele origin: germline.
Comment: This sequence change replaces valine, which is neutral and non-polar, with aspartic acid, which is acidic and polar, at codon 250 of the MSH6 protein (p.Val250Asp). In summary, the available evidence is currently insufficient to determine the role of this variant in disease. Therefore, it has been classified as a Variant of Uncertain Significance. Advanced modeling of protein sequence and biophysical properties (such as structural, functional, and spatial information, amino acid conservation, physicochemical variation, residue mobility, and thermodynamic stability) performed at Invitae indicates that this missense variant is not expected to disrupt MSH6 protein function. This variant has not been reported in the literature in individuals affected with MSH6-related conditions. This variant is not present in population databases (gnomAD no frequency).